The following is an entry in ClinVar:

NM_000130.5(F5):c.2830G>A (p.Val944Ile)

Gene: F5 (coagulation factor V; minus strand). Cytogenetic location: 1q24.2.
Variant type: single nucleotide variant.
Coding change: c.2830G>A on transcript NM_000130.5 (MANE Select); coding-DNA position 2830, G replaced by A.
Protein change: p.Val944Ile; replaces valine 944 with isoleucine.
Molecular consequence: missense variant.
Genome position (GRCh38, 1-based): chr1:169,542,260, C>T on the plus strand (G>A on the coding strand, the complement: F5 is on the minus strand). VCF-style: chr1-169542260-C-T. GRCh37 (hg19) VCF-style: chr1-169511498-C-T.
Other names: short protein forms V944I.
Identifiers: ClinVar variation 2562389 (VCV002562389.2), dbSNP rs989248371, ClinGen allele CA32385483.
Genomic context (GRCh38, chr1:169,542,260, plus strand): 5'-CATCAGTATCTTGGATTATTTCATAGCTACCTTTCTCAGAAGCCAAATGCCATCTCCCAA[C>T]CAAAATCTTAGATGAGTTACTTTGTTTTAAGAGTAACAGATCACTAGGAGGGTCCTTCCA-3'
Protein context (NP_000121.2, residues 934-954): LKQSNSSKIL[Val944Ile]GRWHLASEKG

ClinVar aggregate classification (germline): Uncertain significance (1 of 4 stars; one submission).

Conditions:
Inborn genetic diseases. Identifiers: MedGen C0950123, MeSH D030342.

Allele frequency attached by ClinVar (database versions not stated): gnomAD exomes below 0.00001; TOPMed below 0.00001.
gnomAD v4.1: 1 of 1,614,054 alleles (0.000062%); highest among the groups gnomAD compares: Non-Finnish European, 0.000085%; no homozygotes.

Submission:

Ambry Genetics
Classification: Uncertain significance for Inborn genetic diseases. Last evaluated: 2023-03-25. Review status: criteria provided, single submitter. Criteria: Ambry Variant Classification Scheme 2023. Collection method: clinical testing. Allele origin: germline.
Comment: The p.V944I variant (also known as c.2830G>A), located in coding exon 13 of the F5 gene, results from a G to A substitution at nucleotide position 2830. The valine at codon 944 is replaced by isoleucine, an amino acid with highly similar properties. This amino acid position is conserved. In addition, this alteration is predicted to be tolerated by in silico analysis. Since supporting evidence is limited at this time, the clinical significance of this alteration remains unclear.